The following is an entry in ClinVar:

ClinVar aggregate classification (germline): Likely benign (0 of 4 stars; one submission).

Conditions:
KIAA1586-related disorder. Also called: KIAA1586-related condition.

Submission:

PreventionGenetics, part of Exact Sciences
Classification: Likely benign for KIAA1586-related condition. Last evaluated: 2023-03-28. Review status: no assertion criteria provided. Collection method: clinical testing. Allele origin: germline.
Comment: This variant is classified as likely benign based on ACMG/AMP sequence variant interpretation guidelines (Richards et al. 2015 PMID: 25741868, with internal and published modifications).

NM_020931.4(KIAA1586):c.2090_2093del (p.Val697fs)

Gene: KIAA1586 (KIAA1586; plus strand). Cytogenetic location: 6p12.1.
Variant type: Deletion.
Coding change: c.2090_2093del on transcript NM_020931.4 (MANE Select); coding-DNA positions 2090 to 2093, 4 bases deleted (TTAG; older notation c.2090_2093delTTAG).
Protein change: p.Val697fs; shifts the reading frame from valine 697.
Molecular consequence: frameshift variant.
Genome position (GRCh38, 1-based): chr6:57,054,589-57,054,592, TTAG deleted; deleting any 4 consecutive bases within chr6:57,054,586-57,054,592 gives the same sequence; the c. name uses the placement nearest the transcript's 3' end. VCF-style (leftmost placement, unchanged base first): chr6-57054585-ATAGT-A. GRCh37 (hg19) VCF-style: chr6-56919383-ATAGT-A.
Other names: c.2009_2012del, p.Val670fs (NM_001286274.2); c.1889_1892del, p.Val630fs (NM_001286275.2, NM_001286276.2); short protein forms V630fs, V670fs, V697fs.
Identifiers: ClinVar variation 3048668 (VCV003048668.2), dbSNP rs538821371, ClinGen allele CA3872735.
Genomic context (GRCh38, chr6:57,054,585, plus strand): 5'-AATAATAATATAAAATCAAACAATGTTTCAATTCCTACAACTATATACAAAGCTAAAAAG[ATAGT>A]TAGCACCATTGCAATCAATAGTGCTGAAGCTGAAAGGGGTTTCAATTTAATGAACATAAT-3'